The following is an entry in ClinVar:

ClinVar aggregate classification (germline): Uncertain significance (1 of 4 stars; one submission).

Conditions:
Hypertrophic cardiomyopathy. Also called: HYPERTROPHIC MYOCARDIOPATHY. Identifiers: Orphanet 217569, MedGen C0007194, MeSH D002312, MONDO:0005045, HP:0001639.

Submission:

Labcorp Genetics (formerly Invitae), Labcorp
Classification: Uncertain significance for Hypertrophic cardiomyopathy. Last evaluated: 2025-03-07. Review status: criteria provided, single submitter. Criteria: Invitae Variant Classification Sherloc (09022015). Collection method: clinical testing. Allele origin: germline.
Comment: This sequence change replaces valine, which is neutral and non-polar, with glycine, which is neutral and non-polar, at codon 1275 of the MYOM1 protein (p.Val1275Gly). This variant is not present in population databases (gnomAD no frequency). This variant has not been reported in the literature in individuals affected with MYOM1-related conditions. Invitae Evidence Modeling of protein sequence and biophysical properties (such as structural, functional, and spatial information, amino acid conservation, physicochemical variation, residue mobility, and thermodynamic stability) indicates that this missense variant is not expected to disrupt MYOM1 protein function with a negative predictive value of 80%. In summary, the available evidence is currently insufficient to determine the role of this variant in disease. Therefore, it has been classified as a Variant of Uncertain Significance.

NM_003803.4(MYOM1):c.3824T>G (p.Val1275Gly)

Gene: MYOM1 (myomesin 1; minus strand). Cytogenetic location: 18p11.31.
Variant type: single nucleotide variant.
Coding change: c.3824T>G on transcript NM_003803.4 (MANE Select); coding-DNA position 3824, T replaced by G.
Protein change: p.Val1275Gly; replaces valine 1275 with glycine.
Molecular consequence: missense variant.
Genome position (GRCh38, 1-based): chr18:3,094,210, A>C on the plus strand (T>G on the coding strand, the complement: MYOM1 is on the minus strand). VCF-style: chr18-3094210-A-C. GRCh37 (hg19) VCF-style: chr18-3094208-A-C.
Other names: c.3536T>G, p.Val1179Gly (NM_019856.2); short protein forms V1179G, V1275G.
Identifiers: ClinVar variation 4741936 (VCV004741936.1).